The following is an entry in ClinVar:

NM_004530.6(MMP2):c.1197C>T (p.Leu399=)

Gene: MMP2 (matrix metallopeptidase 2; plus strand). Cytogenetic location: 16q12.2.
Variant type: single nucleotide variant.
Coding change: c.1197C>T on transcript NM_004530.6 (MANE Select); coding-DNA position 1197, C replaced by T.
Protein change: p.Leu399=; no amino-acid change (leucine 399 retained).
Molecular consequence: synonymous variant.
Genome position (GRCh38, 1-based): chr16:55,491,817, C>T. VCF-style: chr16-55491817-C-T. GRCh37 (hg19) VCF-style: chr16-55525729-C-T.
Other names: c.1047C>T, p.Leu349= (NM_001127891.3); c.969C>T, p.Leu323= (NM_001302508.1, NM_001302509.2, NM_001302510.2).
Identifiers: ClinVar variation 724401 (VCV000724401.30), dbSNP rs200082849, ClinGen allele CA8060351.
Genomic context (GRCh38, chr16:55,491,817, plus strand): 5'-TCTCTTCCTGTCTTTCAACCCTCTCTCCTCCCTGCAACCCTCAGGGTACAGCCTGTTCCT[C>T]GTGGCAGCCCACGAGTTTGGCCACGCCATGGGGCTGGAGCACTCCCAAGACCCTGGGGCC-3'
Protein context (NP_004521.1, residues 389-409): FCPDQGYSLF[Leu399=]VAAHEFGHAM

ClinVar aggregate classification (germline): Likely benign. Review status: criteria provided, multiple submitters, no conflicts (2 of 4 stars). 2 submissions from 2 submitters: Likely benign (2). Last evaluated 2025-12-17.

Allele frequency attached by ClinVar (database versions not stated): gnomAD 0.00009; TOPMed 0.00009; ExAC 0.00011; gnomAD exomes 0.00013; 1000 Genomes Project 30x 0.00031; 1000 Genomes Project 0.00040.
gnomAD v4.1: 132 of 1,614,230 alleles (0.0082%); highest among the groups gnomAD compares: East Asian, 0.013%; 1 homozygote.

Submissions (2):

Labcorp Genetics (formerly Invitae), Labcorp
Classification: Likely benign. Last evaluated: 2025-12-17. Review status: criteria provided, single submitter. Criteria: Invitae Variant Classification Sherloc (09022015). Collection method: clinical testing. Allele origin: germline.

CeGaT Center for Human Genetics Tuebingen
Classification: Likely benign. Last evaluated: 2022-10-01. Review status: criteria provided, single submitter. Criteria: CeGaT Center For Human Genetics Tuebingen Variant Classification Criteria Version 2. Collection method: clinical testing. Allele origin: germline. Affected: yes. Observed: 1 variant allele.
Comment: MMP2: BP4, BP7